The following is an entry in ClinVar:

NM_002474.3(MYH11):c.2724G>T (p.Glu908Asp)

Gene: MYH11 (myosin heavy chain 11; minus strand). Cytogenetic location: 16p13.11.
Variant type: single nucleotide variant.
Coding change: c.2724G>T on transcript NM_002474.3 (MANE Select); coding-DNA position 2724, G replaced by T.
Protein change: p.Glu908Asp; replaces glutamic acid 908 with aspartic acid.
Molecular consequence: missense variant.
Genome position (GRCh38, 1-based): chr16:15,741,598, C>A on the plus strand (G>T on the coding strand, the complement: MYH11 is on the minus strand). VCF-style: chr16-15741598-C-A. GRCh37 (hg19) VCF-style: chr16-15835455-C-A.
Other names: c.2745G>T, p.Glu915Asp (NM_001040113.2, NM_001040114.2); c.2724G>T, p.Glu908Asp (NM_022844.3); short protein forms E915D, E908D.
Identifiers: ClinVar variation 918959 (VCV000918959.23), dbSNP rs939496859, ClinGen allele CA278627303.
Genomic context (GRCh38, chr16:15,741,598, plus strand): 5'-CTCCATCTCATGCAGTATCTCCTCCAGCTCCTGCTTCTTGGCCGCCAGCCGCACCCGCAT[C>A]TCCTCAGCCTCTGCATACAGCTCTGTCTCTGCCTGCAGCTGTTCCTGTAGCAGGTTCTTC-3'
Protein context (NP_002465.1, residues 898-918): AETELYAEAE[Glu908Asp]MRVRLAAKKQ

ClinVar aggregate classification (germline): Uncertain significance. Review status: criteria provided, multiple submitters, no conflicts (2 of 4 stars). 6 submissions from 6 submitters: Uncertain significance (6). Last evaluated 2026-03-04.

Conditions:
Aortic aneurysm, familial thoracic 4 (AAT4). Also called: AORTIC ANEURYSM/AORTIC DISSECTION AND PATENT DUCTUS ARTERIOSUS. Identifiers: MedGen C1851504, MONDO:0007568, OMIM 132900.
Familial thoracic aortic aneurysm and aortic dissection (TAAD). Also called: Thoracic aortic aneurysms and dissections. Identifiers: Orphanet 91387, MedGen C4707243, MONDO:0019625.

Allele frequency attached by ClinVar (database versions not stated): gnomAD exomes 0.00001; TOPMed 0.00006; gnomAD 0.00004.
gnomAD v4.1: 25 of 1,612,848 alleles (0.0016%); highest among the groups gnomAD compares: African/African-American, 0.0053%; no homozygotes.

Submissions (6):

GeneDx
Classification: Uncertain significance. Last evaluated: 2026-03-04. Review status: criteria provided, single submitter. Criteria: GeneDx Variant Classification Process June 2021. Collection method: clinical testing. Allele origin: germline.
Comment: In silico analysis supports that this missense variant has a deleterious effect on protein structure/function; Has not been previously published as pathogenic or benign to our knowledge

Labcorp Genetics (formerly Invitae), Labcorp
Classification: Uncertain significance for Aortic aneurysm, familial thoracic 4. Last evaluated: 2025-02-09. Review status: criteria provided, single submitter. Criteria: Invitae Variant Classification Sherloc (09022015). Collection method: clinical testing. Allele origin: germline.
Comment: This sequence change replaces glutamic acid, which is acidic and polar, with aspartic acid, which is acidic and polar, at codon 915 of the MYH11 protein (p.Glu915Asp). This variant is present in population databases (no rsID available, gnomAD 0.008%). This variant has not been reported in the literature in individuals affected with MYH11-related conditions. ClinVar contains an entry for this variant (Variation ID: 918959). Invitae Evidence Modeling of protein sequence and biophysical properties (such as structural, functional, and spatial information, amino acid conservation, physicochemical variation, residue mobility, and thermodynamic stability) indicates that this missense variant is not expected to disrupt MYH11 protein function with a negative predictive value of 95%. In summary, the available evidence is currently insufficient to determine the role of this variant in disease. Therefore, it has been classified as a Variant of Uncertain Significance.

All of Us Research Program, National Institutes of Health
Classification: Uncertain significance for Familial thoracic aortic aneurysm and aortic dissection. Last evaluated: 2024-05-30. Review status: criteria provided, single submitter. Criteria: ACMG Guidelines, 2015. Collection method: clinical testing. Allele origin: germline. Inheritance: Autosomal dominant inheritance. Observed: 9 variant alleles, 9 heterozygotes.
Comment: Variant of Uncertain Significance due to insufficient evidence: This missense variant is located in the coiled coil myosin tail domain of the MYH11 protein. Computational prediction tools and conservation analyses suggest that this variant may have deleterious impact on the protein function. Computational splicing tools suggest that this variant may not impact RNA splicing. To our knowledge, functional assays have not been performed for this variant nor has this variant been reported in individuals affected with cardiovascular disorders in the literature. This variant has been identified in 5/276416 chromosomes in the general population by the Genome Aggregation Database (gnomAD). Available evidence is insufficient to determine the role of this variant in disease conclusively.

This study involves interpretation of variants in research participants for the purpose of population health screening. Participant phenotype was not available at the time of variant classification. Additional details can be found in publication PMID: 35346344, PMCID: PMC8962531

Color Diagnostics, LLC DBA Color Health
Classification: Uncertain significance for Familial thoracic aortic aneurysm and aortic dissection. Last evaluated: 2024-03-06. Review status: criteria provided, single submitter. Criteria: ACMG Guidelines, 2015. Collection method: clinical testing. Allele origin: germline.
Comment: This missense variant replaces glutamic acid with aspartic acid at codon 915 of the MYH11 protein. Computational prediction suggests that this variant may have deleterious impact on protein structure and function (internally defined REVEL score threshold >= 0.7, PMID: 27666373). To our knowledge, functional studies have not been reported for this variant. This variant has not been reported in individuals affected with MYH11-related disorders in the literature. This variant has been identified in 6/282062 chromosomes in the general population by the Genome Aggregation Database (gnomAD). The available evidence is insufficient to determine the role of this variant in disease conclusively. Therefore, this variant is classified as a Variant of Uncertain Significance.

Ambry Genetics
Classification: Uncertain significance for Familial thoracic aortic aneurysm and aortic dissection. Last evaluated: 2022-06-02. Review status: criteria provided, single submitter. Criteria: Ambry Variant Classification Scheme 2023. Collection method: clinical testing. Allele origin: germline.
Comment: The p.E908D variant (also known as c.2724G>T), located in coding exon 21 of the MYH11 gene, results from a G to T substitution at nucleotide position 2724. The glutamic acid at codon 908 is replaced by aspartic acid, an amino acid with highly similar properties. This amino acid position is conserved. In addition, the in silico prediction for this alteration is inconclusive. Since supporting evidence is limited at this time, the clinical significance of this alteration remains unclear.

ARUP Laboratories, Molecular Genetics and Genomics, ARUP Laboratories
Classification: Uncertain significance. Last evaluated: 2021-10-11. Review status: criteria provided, single submitter. Criteria: ARUP Molecular Germline Variant Investigation Process 2021. Collection method: clinical testing. Allele origin: germline.
Comment: The MYH11 c.2724G>T; p.Glu908Asp variant (rs939496859), to our knowledge, is not reported in the medical literature but is reported in ClinVar (Variation ID: 918959). This variant is found in the general population with an overall allele frequency of 0.0021% (6/282062 alleles) in the Genome Aggregation Database. The glutamate at codon 908 is highly conserved, and computational analyses predict that this variant is deleterious (REVEL: 0.714). Due to limited information, the clinical significance of the p.Glu908Asp variant is uncertain at this time.